The following is an entry in ClinVar:

NM_030665.4(RAI1):c.4122_4134del (p.Ser1374fs)

Gene: RAI1 (retinoic acid induced 1; plus strand). Cytogenetic location: 17p11.2.
Variant type: Deletion.
Coding change: c.4122_4134del on transcript NM_030665.4 (MANE Select); coding-DNA positions 4122 to 4134, 13 bases deleted (CCCAGTGGGGGTG).
Protein change: p.Ser1374fs; shifts the reading frame from serine 1374.
Molecular consequence: frameshift variant.
Genome position (GRCh38, 1-based): chr17:17,797,070-17,797,082, CCCAGTGGGGGTG deleted; deleting any 13 consecutive bases within chr17:17,797,069-17,797,082 gives the same sequence; the c. name uses the placement nearest the transcript's 3' end. VCF-style (leftmost placement, unchanged base first): chr17-17797068-AGCCCAGTGGGGGT-A. GRCh37 (hg19) VCF-style: chr17-17700382-AGCCCAGTGGGGGT-A.
Other names: short protein forms S1374fs.
Identifiers: ClinVar variation 4736590 (VCV004736590.1).
Genomic context (GRCh38, chr17:17,797,068, plus strand): 5'-GGTAATCCTCTGAGCCCATCCCTTTCCGACAAAGACCGTGGGCTCAAGGGTGCTGGGGGC[AGCCCAGTGGGGGT>A]GGAAGAAGGCCTGGTAAATGTGGGCACCGGGCAGAAGCTCCCAACTTCTGGGGCTGATCC-3'

ClinVar aggregate classification (germline): Pathogenic (1 of 4 stars; one submission).

Submission:

Labcorp Genetics (formerly Invitae), Labcorp
Classification: Pathogenic. Last evaluated: 2026-02-03. Review status: criteria provided, single submitter. Criteria: Invitae Variant Classification Sherloc (09022015). Collection method: clinical testing. Allele origin: germline.
Comment: This sequence change creates a premature translational stop signal (p.Ser1374Argfs*6) in the RAI1 gene. It is expected to result in an absent or disrupted protein product. Loss-of-function variants in RAI1 are known to be pathogenic (PMID: 21857958, 24715852). This variant is not present in population databases (gnomAD no frequency). This variant has not been reported in the literature in individuals affected with RAI1-related conditions. For these reasons, this variant has been classified as Pathogenic.

Literature cited by the submitters: PubMed 21857958; PubMed 24715852.